The following is an entry in ClinVar:

NM_017636.4(TRPM4):c.1869C>G (p.Gly623=)

Gene: TRPM4 (transient receptor potential cation channel subfamily M member 4; plus strand). Cytogenetic location: 19q13.33.
Variant type: single nucleotide variant.
Coding change: c.1869C>G on transcript NM_017636.4 (MANE Select); coding-DNA position 1869, C replaced by G.
Protein change: p.Gly623=; no amino-acid change (glycine 623 retained).
Molecular consequence: synonymous variant.
Genome position (GRCh38, 1-based): chr19:49,188,766, C>G. VCF-style: chr19-49188766-C-G. GRCh37 (hg19) VCF-style: chr19-49692023-C-G.
Other names: c.1869C>G, p.Gly623= (NM_001195227.2); c.1524C>G, p.Gly508= (NM_001321281.2); c.261C>G, p.Gly87= (NM_001321282.2); c.1347C>G, p.Gly449= (NM_001321283.2); c.807C>G, p.Gly269= (NM_001321285.2).
Identifiers: ClinVar variation 2702175 (VCV002702175.3), dbSNP rs758295164, ClinGen allele CA508282989.
Genomic context (GRCh38, chr19:49,188,766, plus strand): 5'-GCCTGACGCTGAGGAGGCAGCACGGAGGAAAGACCTGGCGTTCAAGTTTGAGGGGATGGG[C>G]GTTGGTGCGTGGGGCACGGTGCCTGGGAGCAGGGACGGGGGCTGCCGCCAGAGGGGGATG-3'
Protein context (NP_060106.2, residues 613-633): KDLAFKFEGM[Gly623=]VDLFGECYRS

ClinVar aggregate classification (germline): Uncertain significance (1 of 4 stars; one submission).

Conditions:
Progressive familial heart block type IB (PFHB1B). Identifiers: Orphanet 871, MedGen C1970298, MONDO:0011474, OMIM 604559.

Submission:

Labcorp Genetics (formerly Invitae), Labcorp
Classification: Uncertain significance for Progressive familial heart block type IB. Last evaluated: 2023-12-29. Review status: criteria provided, single submitter. Criteria: Invitae Variant Classification Sherloc (09022015). Collection method: clinical testing. Allele origin: germline.
Comment: This sequence change affects codon 623 of the TRPM4 mRNA. It is a 'silent' change, meaning that it does not change the encoded amino acid sequence of the TRPM4 protein. This variant is not present in population databases (gnomAD no frequency). This variant has not been reported in the literature in individuals affected with TRPM4-related conditions. Algorithms developed to predict the effect of sequence changes on RNA splicing suggest that this variant may disrupt the consensus splice site. In summary, the available evidence is currently insufficient to determine the role of this variant in disease. Therefore, it has been classified as a Variant of Uncertain Significance.